The following is an entry in ClinVar:

ClinVar aggregate classification (germline): Benign (0 of 4 stars; one submission).

Conditions:
Spondylocostal dysostosis 2, autosomal recessive (SCDO2). Also called: MESP2-Related Spondylocostal Dysostosis, Autosomal Recessive; Spondylocostal dysostosis type 2. Identifiers: Orphanet 2311, MedGen C1837549, MONDO:0012097, OMIM 608681.

Submission:

GeneReviews
Classification: Benign for Spondylothoracic Dysostosis. Last evaluated: 2010-08-05. Review status: no assertion criteria provided. Collection method: curation. Allele origin: unknown.
ClinVar note: Converted during submission from benign to Benign.

NM_001039958.2(MESP2):c.670T>C (p.Ser224Pro)

Gene: MESP2 (mesoderm posterior bHLH transcription factor 2; plus strand). Cytogenetic location: 15q26.1.
Variant type: single nucleotide variant.
Coding change: c.670T>C on transcript NM_001039958.2 (MANE Select); coding-DNA position 670, T replaced by C.
Protein change: p.Ser224Pro; replaces serine 224 with proline.
Molecular consequence: missense variant.
Genome position (GRCh38, 1-based): chr15:89,777,027, T>C. VCF-style: chr15-89777027-T-C. GRCh37 (hg19) VCF-style: chr15-90320258-T-C.
Other names: short protein forms S224P.
Identifiers: ClinVar variation 38911 (VCV000038911.3), dbSNP rs118204033, ClinGen allele CA343160.
Genomic context (GRCh38, chr15:89,777,027, plus strand): 5'-CAGGGGCGCAGGCCGGGCCTGGTCTCCGCCGTCCTCGCCGAGGCGTCCTGGGGATCCCCG[T>C]CCGCCTGCCCCGGAGCCCAAGCCGCACCCGAGCGCCTGGGGAGGGGGGTCCACGACACGG-3'
Protein context (NP_001035047.1, residues 214-234): VLAEASWGSP[Ser224Pro]ACPGAQAAPE